The following is an entry in ClinVar:

NC_012920.1(MT-TE):m.14716C>T

Gene: MT-TE (mitochondrially encoded tRNA glutamic acid; minus strand).
Variant type: single nucleotide variant.
Genome position: chrM-14716-C-T.
Identifiers: ClinVar variation 690208 (VCV000690208.1), dbSNP rs1603224841, ClinGen allele CA913171897.

ClinVar aggregate classification (germline): Likely benign (1 of 4 stars; one submission).

Conditions:
MELAS syndrome (MELAS). Also called: Juvenile myopathy, encephalopathy, lactic acidosis, stroke. Identifiers: Orphanet 550, MedGen C0162671, MONDO:0010789, OMIM 540000.

Submission:

Wong Mito Lab, Molecular and Human Genetics, Baylor College of Medicine
Classification: Likely benign for MELAS syndrome. Last evaluated: 2019-07-12. Review status: criteria provided, single submitter. Criteria: Modified ACMG Guidelines (Unpublished). Collection method: clinical testing. Allele origin: germline.
Comment: The NC_012920.1:m.14716C>T variant in MT-TE gene is interpreted to be a Likely Benign variant based on the modified ACMG guidelines (unpublished). This variant meets the following evidence codes reported in the guidelines: BP4, BP6

Literature cited by the submitters: PubMed 31965079.